The following is an entry in ClinVar:

NM_005557.4(KRT16):c.927G>A (p.Leu309=)

Gene: KRT16 (keratin 16; minus strand). Cytogenetic location: 17q21.2.
Variant type: single nucleotide variant.
Coding change: c.927G>A on transcript NM_005557.4 (MANE Select); coding-DNA position 927, G replaced by A.
Protein change: p.Leu309=; no amino-acid change (leucine 309 retained).
Molecular consequence: synonymous variant.
Genome position (GRCh38, 1-based): chr17:41,611,075, C>T on the plus strand (G>A on the coding strand, the complement: KRT16 is on the minus strand). VCF-style: chr17-41611075-C-T. GRCh37 (hg19) VCF-style: chr17-39767327-C-T.
Identifiers: ClinVar variation 778709 (VCV000778709.35), dbSNP rs113500657, ClinGen allele CA8563071.
Genomic context (GRCh38, chr17:41,611,075, plus strand): 5'-CCCAAAGCCCCCAGCTGGGAAGTGCTGCAGGCTCACTGCGGGCCCGAGCCCCACCTTGCT[C>T]AGGAACCAGGTCTCAGCGTCTCTGCGGTTTTTCTCTGCCATCTGCTCGTACTGGTCACGC-3'
Protein context (NP_005548.2, residues 299-319): KNRRDAETWF[Leu309=]SKTEELNKEV

ClinVar aggregate classification (germline): Benign/Likely benign. Review status: criteria provided, multiple submitters, no conflicts (2 of 4 stars). 4 submissions from 4 submitters: Benign (2); Likely benign (2). Last evaluated 2026-01-27.

Allele frequency attached by ClinVar (database versions not stated): gnomAD exomes 0.00030 and 0.00075; ExAC 0.00089; ESP Exome Variant Server 0.00238; gnomAD 0.00243 and 0.00253; TOPMed 0.00265; 1000 Genomes Project 30x 0.00437; 1000 Genomes Project 0.00439.
gnomAD v4.1: 857 of 1,614,034 alleles (0.053%); highest among the groups gnomAD compares: African/African-American, 0.94%; 7 homozygotes.

Submissions (4):

Labcorp Genetics (formerly Invitae), Labcorp
Classification: Benign. Last evaluated: 2026-01-27. Review status: criteria provided, single submitter. Criteria: Invitae Variant Classification Sherloc (09022015). Collection method: clinical testing. Allele origin: germline.

Blueprint Genetics
Classification: Likely benign. Last evaluated: 2024-11-11. Review status: criteria provided, single submitter. Criteria: ACMG Guidelines, 2015. Collection method: clinical testing. Allele origin: germline.

CeGaT Center for Human Genetics Tuebingen
Classification: Likely benign. Last evaluated: 2023-02-01. Review status: criteria provided, single submitter. Criteria: CeGaT Center For Human Genetics Tuebingen Variant Classification Criteria Version 2. Collection method: clinical testing. Allele origin: germline. Affected: yes. Observed: 1 variant allele.
Comment: KRT16: BP4, BP7

Breakthrough Genomics
Classification: Benign. Review status: criteria provided, single submitter. Criteria: ACMG Guidelines, 2015. Collection method: not provided. Allele origin: germline. Inheritance: Autosomal dominant inheritance. Affected: yes.